The following is an entry in ClinVar:

NM_001035.3(RYR2):c.1092A>C (p.Gln364His)

Gene: RYR2 (ryanodine receptor 2; plus strand). Cytogenetic location: 1q43.
Variant type: single nucleotide variant.
Coding change: c.1092A>C on transcript NM_001035.3 (MANE Select); coding-DNA position 1092, A replaced by C.
Protein change: p.Gln364His; replaces glutamine 364 with histidine.
Molecular consequence: missense variant.
Genome position (GRCh38, 1-based): chr1:237,441,405, A>C. VCF-style: chr1-237441405-A-C. GRCh37 (hg19) VCF-style: chr1-237604705-A-C.
Other names: short protein forms Q364H.
Identifiers: ClinVar variation 923317 (VCV000923317.26), dbSNP rs763183698, ClinGen allele CA084580.

ClinVar aggregate classification (germline): Uncertain significance. Review status: criteria provided, multiple submitters, no conflicts (2 of 4 stars). 7 submissions from 7 submitters: Uncertain significance (7). Last evaluated 2026-02-17.

Conditions:
Cardiomyopathy (CMYO). Also called: Cardiomyopathies. Identifiers: Orphanet 167848, MedGen C0878544, MONDO:0004994, HP:0001638. Inheritance: Various modes of inheritance.
Cardiovascular phenotype. Identifiers: MedGen CN230736.
Catecholaminergic polymorphic ventricular tachycardia (CVPT). Also called: Catecholamine-induced polymorphic ventricular tachycardia. Identifiers: Orphanet 3286, MedGen C5574922, MONDO:0017990.
Catecholaminergic polymorphic ventricular tachycardia 1. Also called: RYR2-Related Catecholaminergic Polymorphic Ventricular Tachycardia; VENTRICULAR TACHYCARDIA, STRESS-INDUCED POLYMORPHIC 1; VENTRICULAR TACHYCARDIA, CATECHOLAMINERGIC POLYMORPHIC, 1, WITH OR WITHOUT ATRIAL DYSFUNCTION AND/OR DILATED CARDIOMYOPATHY. Identifiers: Orphanet 3286, MedGen C1631597, MONDO:0011484, OMIM 604772.

Allele frequency attached by ClinVar (database versions not stated): gnomAD 0.00003; TOPMed 0.00003; gnomAD exomes below 0.00001; ExAC 0.00001.
gnomAD v4.1: 7 of 1,613,216 alleles (0.00043%); highest among the groups gnomAD compares: Admixed American, 0.0083%; no homozygotes.

Submissions (7):

GeneDx
Classification: Uncertain significance. Last evaluated: 2026-02-17. Review status: criteria provided, single submitter. Criteria: GeneDx Variant Classification Process June 2021. Collection method: clinical testing. Allele origin: germline.
Comment: Not observed at significant frequency in large population cohorts (gnomAD); In silico analysis supports that this missense variant has a deleterious effect on protein structure/function; Has not been previously published as pathogenic or benign to our knowledge; Located in one of the three hot-spot regions of the RYR2 gene, where the majority of pathogenic missense variants occur (PMID: 19926015); This variant is associated with the following publications: (PMID: 19926015)

Labcorp Genetics (formerly Invitae), Labcorp
Classification: Uncertain significance for Catecholaminergic polymorphic ventricular tachycardia 1. Last evaluated: 2025-11-20. Review status: criteria provided, single submitter. Criteria: Invitae Variant Classification Sherloc (09022015). Collection method: clinical testing. Allele origin: germline.
Comment: This sequence change replaces glutamine, which is neutral and polar, with histidine, which is basic and polar, at codon 364 of the RYR2 protein (p.Gln364His). This variant is present in population databases (rs763183698, gnomAD 0.003%). This variant has not been reported in the literature in individuals affected with RYR2-related conditions. ClinVar contains an entry for this variant (Variation ID: 923317). Invitae Evidence Modeling of protein sequence and biophysical properties (such as structural, functional, and spatial information, amino acid conservation, physicochemical variation, residue mobility, and thermodynamic stability) indicates that this missense variant is expected to disrupt RYR2 protein function with a positive predictive value of 95%. In summary, the available evidence is currently insufficient to determine the role of this variant in disease. Therefore, it has been classified as a Variant of Uncertain Significance.

Women's Health and Genetics/Laboratory Corporation of America, LabCorp
Classification: Uncertain significance. Last evaluated: 2025-07-07. Review status: criteria provided, single submitter. Criteria: LabCorp Variant Classification Summary - May 2015. Collection method: clinical testing. Allele origin: germline.
Comment: Variant summary: RYR2 c.1092A>C (p.Gln364His) results in a non-conservative amino acid change in the encoded protein sequence. Algorithms developed to predict the effect of missense changes on protein structure and function all suggest that this variant is likely to be disruptive. The variant allele was found at a frequency of 4e-06 in 248532 control chromosomes. The available data on variant occurrences in the general population are insufficient to allow any conclusion about variant significance. To our knowledge, no occurrence of c.1092A>C in individuals affected with Catecholaminergic Polymorphic Ventricular Tachycardia and no experimental evidence demonstrating its impact on protein function have been reported. ClinVar contains an entry for this variant (Variation ID: 923317). Based on the evidence outlined above, the variant was classified as uncertain significance.

All of Us Research Program, National Institutes of Health
Classification: Uncertain significance for Catecholaminergic polymorphic ventricular tachycardia. Last evaluated: 2024-08-06. Review status: criteria provided, single submitter. Criteria: ACMG Guidelines, 2015. Collection method: clinical testing. Allele origin: germline. Inheritance: Autosomal dominant inheritance. Observed: 6 variant alleles, 6 heterozygotes.
Comment: This missense variant replaces glutamine with histidine at codon 364 of the RYR2 protein. Computational prediction tools and conservation analyses suggest that this variant may have deleterious impact on protein function. Computational splicing tools suggest that this variant may not impact RNA splicing. To our knowledge, functional assays have not been performed for this variant nor has this variant been reported in individuals affected with cardiovascular disorders in the literature. This variant has been identified in 2/279934 chromosomes in the general population by the Genome Aggregation Database (gnomAD). Available evidence is insufficient to determine the role of this variant in disease conclusively. Therefore, this variant is classified as a Variant of Uncertain Significance.

This study involves interpretation of variants in research participants for the purpose of population health screening. Participant phenotype was not available at the time of variant classification. Additional details can be found in publication PMID: 35346344, PMCID: PMC8962531

Color Diagnostics, LLC DBA Color Health
Classification: Uncertain significance for Cardiomyopathy. Last evaluated: 2024-03-06. Review status: criteria provided, single submitter. Criteria: ACMG Guidelines, 2015. Collection method: clinical testing. Allele origin: germline.
Comment: This missense variant replaces glutamine with histidine at codon 364 of the RYR2 protein. Computational prediction is inconclusive regarding the impact of this variant on protein structure and function (internally defined REVEL score threshold 0.5 < inconclusive < 0.7, PMID: 27666373). To our knowledge, functional studies have not been reported for this variant. This variant has not been reported in individuals affected with RYR2-related disorders in the literature. This variant has been identified in 2/279934 chromosomes in the general population by the Genome Aggregation Database (gnomAD). The available evidence is insufficient to determine the role of this variant in disease conclusively. Therefore, this variant is classified as a Variant of Uncertain Significance.

Ambry Genetics
Classification: Uncertain significance for Cardiovascular phenotype. Last evaluated: 2023-04-17. Review status: criteria provided, single submitter. Criteria: Ambry Variant Classification Scheme 2023. Collection method: clinical testing. Allele origin: germline.
Comment: The p.Q364H variant (also known as c.1092A>C), located in coding exon 13 of the RYR2 gene, results from an A to C substitution at nucleotide position 1092. The glutamine at codon 364 is replaced by histidine, an amino acid with highly similar properties. This amino acid position is highly conserved in available vertebrate species. In addition, the in silico prediction for this alteration is inconclusive. Since supporting evidence is limited at this time, the clinical significance of this alteration remains unclear.

Mayo Clinic Laboratories, Mayo Clinic
Classification: Uncertain significance. Last evaluated: 2019-12-03. Review status: criteria provided, single submitter. Criteria: ACMG Guidelines, 2015. Collection method: clinical testing. Allele origin: germline. Observed: 1 variant allele.